The following is an entry in ClinVar:

NM_001105247.2(ARMC5):c.1864+163T>G

Gene: ARMC5 (armadillo repeat containing 5; plus strand). Cytogenetic location: 16p11.2.
Variant type: single nucleotide variant.
Coding change: c.1864+163T>G on transcript NM_001105247.2 (MANE Select); 163 bases into the intron after coding-DNA position 1864, T replaced by G.
Molecular consequence: intron variant. On other transcripts: missense variant (1).
Genome position (GRCh38, 1-based): chr16:31,465,050, T>G. VCF-style: chr16-31465050-T-G. GRCh37 (hg19) VCF-style: chr16-31476371-T-G.
Other names: c.2027T>G, p.Val676Gly (NM_024742.2); c.2149+163T>G (NM_001288767.2); c.1960+163T>G (NM_001301820.1); short protein forms V676G.
Identifiers: ClinVar variation 4986836 (VCV004986836.1).
Genomic context (GRCh38, chr16:31,465,050, plus strand): 5'-CCCCAGCCCGTCCTCCAGACAACCTGTCACCAGAGTGGGGTGGGGAGCAGGGCGTTCCAG[T>G]CCCTCCATGGGCCCACAGGCAGAGTTCTGCTGTGTCCTCTGCCCTAGCCCTGGGACCCAG-3'

ClinVar aggregate classification (germline): Uncertain significance (1 of 4 stars; one submission).

Conditions:
ARMC5-related disorder. Also called: ARMC5-related condition.

gnomAD v4.1: 2 of 1,613,654 alleles (0.00012%); highest among the groups gnomAD compares: Non-Finnish European, 0.00017%; no homozygotes.

Submission:

PreventionGenetics, part of Exact Sciences
Classification: Uncertain significance for ARMC5-related condition. Last evaluated: 2025-02-19. Review status: criteria provided, single submitter. Criteria: ACMG Guidelines, 2015. Collection method: clinical testing. Allele origin: germline.
Comment: The ARMC5 c.2027T>G variant is predicted to result in the amino acid substitution p.Val676Gly. To our knowledge, this variant has not been reported in the literature or in a large population database (gnomAD), indicating this variant is rare. At this time, the clinical significance of this variant is uncertain due to the absence of conclusive functional and genetic evidence.